The following is an entry in ClinVar:

NM_001375567.1(FOCAD):c.4106G>A (p.Gly1369Asp)

Gene: FOCAD (focadhesin; plus strand). Cytogenetic location: 9p21.3.
Variant type: single nucleotide variant.
Coding change: c.4106G>A on transcript NM_001375567.1 (MANE Select); coding-DNA position 4106, G replaced by A.
Protein change: p.Gly1369Asp; replaces glycine 1369 with aspartic acid.
Molecular consequence: missense variant.
Genome position (GRCh38, 1-based): chr9:20,953,039, G>A. VCF-style: chr9-20953039-G-A. GRCh37 (hg19) VCF-style: chr9-20953038-G-A.
Other names: c.4001G>A, p.Gly1334Asp (NM_001375568.1, NM_001375570.1); c.4106G>A, p.Gly1369Asp (NM_017794.5); short protein forms G1369D, G1334D.
Identifiers: ClinVar variation 3656182 (VCV003656182.2).

ClinVar aggregate classification (germline): Uncertain significance (1 of 4 stars; one submission).

gnomAD v4.1: 3 of 1,613,356 alleles (0.00019%); highest among the groups gnomAD compares: Middle Eastern, 0.016%; no homozygotes.

Submission:

Labcorp Genetics (formerly Invitae), Labcorp
Classification: Uncertain significance. Last evaluated: 2024-06-11. Review status: criteria provided, single submitter. Criteria: Invitae Variant Classification Sherloc (09022015). Collection method: clinical testing. Allele origin: germline.
Comment: This sequence change replaces glycine, which is neutral and non-polar, with aspartic acid, which is acidic and polar, at codon 1369 of the FOCAD protein (p.Gly1369Asp). This variant is present in population databases (rs535565536, gnomAD 0.0009%). This variant has not been reported in the literature in individuals affected with FOCAD-related conditions. Algorithms developed to predict the effect of missense changes on protein structure and function output the following: SIFT: "Not Available"; PolyPhen-2: "Not Available"; Align-GVGD: "Not Available". The aspartic acid amino acid residue is found in multiple mammalian species, which suggests that this missense change does not adversely affect protein function. In summary, the available evidence is currently insufficient to determine the role of this variant in disease. Therefore, it has been classified as a Variant of Uncertain Significance.